The following is an entry in ClinVar:

NM_015910.7(WDPCP):c.1113T>C (p.Thr371=)

Gene: WDPCP (WD repeat containing planar cell polarity effector; minus strand). Cytogenetic location: 2p15.
Variant type: single nucleotide variant.
Coding change: c.1113T>C on transcript NM_015910.7 (MANE Select); coding-DNA position 1113, T replaced by C.
Protein change: p.Thr371=; no amino-acid change (threonine 371 retained).
Molecular consequence: synonymous variant. On other transcripts: non-coding transcript variant (3).
Genome position (GRCh38, 1-based): chr2:63,404,370, A>G on the plus strand (T>C on the coding strand, the complement: WDPCP is on the minus strand). VCF-style: chr2-63404370-A-G. GRCh37 (hg19) VCF-style: chr2-63631505-A-G.
Other names: c.636T>C, p.Thr212= (NM_001042692.3); c.1041T>C, p.Thr347= (NM_001354044.2); c.1113T>C, p.Thr371= (NM_001354045.2).
Identifiers: ClinVar variation 4994545 (VCV004994545.1).

ClinVar aggregate classification (germline): Likely benign (1 of 4 stars; one submission).

Conditions:
WDPCP-related disorder. Also called: WDPCP-related condition.

Submission:

PreventionGenetics, part of Exact Sciences
Classification: Likely benign for WDPCP-related condition. Last evaluated: 2026-09-23. Review status: criteria provided, single submitter. Criteria: ACMG Guidelines, 2015. Collection method: clinical testing. Allele origin: germline.
Comment: This variant is classified as likely benign based on ACMG/AMP sequence variant interpretation guidelines (Richards et al. 2015 PMID: 25741868, with internal and published modifications).